The following is an entry in ClinVar:

ClinVar aggregate classification (germline): Uncertain significance. Review status: criteria provided, multiple submitters, no conflicts (2 of 4 stars). 2 submissions from 2 submitters: Uncertain significance (2). Last evaluated 2022-10-26.

Conditions:
Familial cancer of breast. Also called: BREAST CANCER, FAMILIAL; Hereditary breast cancer; hereditary breast carcinoma. Identifiers: Orphanet 227535, MedGen C0346153, MONDO:0016419, OMIM 114480. Disease mechanism: loss of function.
Hereditary cancer-predisposing syndrome. Also called: Neoplastic Syndromes, Hereditary; Tumor predisposition; Hereditary Cancer Syndrome; Hereditary neoplastic syndrome. Identifiers: Orphanet 140162, MedGen C0027672, MeSH D009386, MONDO:0015356.

Allele frequency attached by ClinVar (database versions not stated): gnomAD exomes below 0.00001; TOPMed below 0.00001; gnomAD 0.00001.
gnomAD v4.1: 2 of 1,614,030 alleles (0.00012%); highest among the groups gnomAD compares: East Asian, 0.0022%; no homozygotes.

Submissions (2):

Labcorp Genetics (formerly Invitae), Labcorp
Classification: Uncertain significance for Familial cancer of breast. Last evaluated: 2022-10-26. Review status: criteria provided, single submitter. Criteria: Invitae Variant Classification Sherloc (09022015). Collection method: clinical testing. Allele origin: germline.
Comment: Algorithms developed to predict the effect of missense changes on protein structure and function output the following: SIFT: "Tolerated"; PolyPhen-2: "Benign"; Align-GVGD: "Class C0". The arginine amino acid residue is found in multiple mammalian species, which suggests that this missense change does not adversely affect protein function. In summary, the available evidence is currently insufficient to determine the role of this variant in disease. Therefore, it has been classified as a Variant of Uncertain Significance. ClinVar contains an entry for this variant (Variation ID: 484172). This variant has not been reported in the literature in individuals affected with PALB2-related conditions. This variant is not present in population databases (gnomAD no frequency). This sequence change replaces glycine, which is neutral and non-polar, with arginine, which is basic and polar, at codon 999 of the PALB2 protein (p.Gly999Arg).

Ambry Genetics
Classification: Uncertain significance for Hereditary cancer-predisposing syndrome. Last evaluated: 2016-01-22. Review status: criteria provided, single submitter. Criteria: Ambry Variant Classification Scheme 2023. Collection method: clinical testing. Allele origin: germline.
Comment: The p.G999R variant (also known as c.2995G>A), located in coding exon 9 of the PALB2 gene, results from a G to A substitution at nucleotide position 2995. The glycine at codon 999 is replaced by arginine, an amino acid with dissimilar properties. This variant was not reported in population based cohorts in the following databases: Database of Single Nucleotide Polymorphisms (dbSNP), NHLBI Exome Sequencing Project (ESP), and 1000 Genomes Project. In the ESP, this variant was not observed in 6497 samples (12994 alleles) with coverage at this position. To date, this alteration has been detected with an allele frequency of approximately 0.001% (greater than 130000 alleles tested) in our clinical cohort. This amino acid position is not well conserved in available vertebrate species, and arginine is the reference amino acid in multiple species. In addition, this alteration is predicted to be tolerated by in silico analysis. Since supporting evidence is limited at this time, the clinical significance of this alteration remains unclear.

NM_024675.4(PALB2):c.2995G>A (p.Gly999Arg)

Gene: PALB2 (partner and localizer of BRCA2; minus strand). Cytogenetic location: 16p12.2.
Variant type: single nucleotide variant.
Coding change: c.2995G>A on transcript NM_024675.4 (MANE Select); coding-DNA position 2995, G replaced by A.
Protein change: p.Gly999Arg; replaces glycine 999 with arginine.
Molecular consequence: missense variant.
Genome position (GRCh38, 1-based): chr16:23,622,970, C>T on the plus strand (G>A on the coding strand, the complement: PALB2 is on the minus strand). VCF-style: chr16-23622970-C-T. GRCh37 (hg19) VCF-style: chr16-23634291-C-T.
Other names: short protein forms G999R.
Identifiers: ClinVar variation 484172 (VCV000484172.10), dbSNP rs1269970394, ClinGen allele CA395143838.